The following is an entry in ClinVar:

ClinVar aggregate classification (germline): Uncertain significance (1 of 4 stars; one submission).

Conditions:
Familial cold autoinflammatory syndrome 3 (FCAS3). Also called: FAMILIAL ATYPICAL COLD URTICARIA; ANTIBODY DEFICIENCY AND IMMUNE DYSREGULATION, PLCG2-ASSOCIATED. Identifiers: Orphanet 300359, MedGen C3280914, MONDO:0013766, OMIM 614468.

Allele frequency attached by ClinVar (database versions not stated): TOPMed below 0.00001; gnomAD 0.00001; gnomAD exomes 0.00001.
gnomAD v4.1: 9 of 1,614,002 alleles (0.00056%); highest among the groups gnomAD compares: South Asian, 0.0011%; no homozygotes.

Submission:

Labcorp Genetics (formerly Invitae), Labcorp
Classification: Uncertain significance for Familial cold autoinflammatory syndrome 3. Last evaluated: 2020-03-18. Review status: criteria provided, single submitter. Criteria: Invitae Variant Classification Sherloc (09022015). Collection method: clinical testing. Allele origin: germline.
Comment: This variant is not present in population databases (ExAC no frequency). In summary, the available evidence is currently insufficient to determine the role of this variant in disease. Therefore, it has been classified as a Variant of Uncertain Significance. Algorithms developed to predict the effect of missense changes on protein structure and function (SIFT, PolyPhen-2, Align-GVGD) all suggest that this variant is likely to be disruptive, but these predictions have not been confirmed by published functional studies and their clinical significance is uncertain. This variant has not been reported in the literature in individuals with PLCG2-related conditions. This sequence change replaces tyrosine with cysteine at codon 600 of the PLCG2 protein (p.Tyr600Cys). The tyrosine residue is moderately conserved and there is a large physicochemical difference between tyrosine and cysteine.

NM_002661.5(PLCG2):c.1799A>G (p.Tyr600Cys)

Gene: PLCG2 (phospholipase C gamma 2; plus strand). Cytogenetic location: 16q23.3.
Variant type: single nucleotide variant.
Coding change: c.1799A>G on transcript NM_002661.5 (MANE Select); coding-DNA position 1799, A replaced by G.
Protein change: p.Tyr600Cys; replaces tyrosine 600 with cysteine.
Molecular consequence: missense variant.
Genome position (GRCh38, 1-based): chr16:81,910,585, A>G. VCF-style: chr16-81910585-A-G. GRCh37 (hg19) VCF-style: chr16-81944190-A-G.
Other names: short protein forms Y600C.
Identifiers: ClinVar variation 1035989 (VCV001035989.8), dbSNP rs1909576451, ClinGen allele CA396900903.